The following is an entry in ClinVar:

ClinVar aggregate classification (germline): Uncertain significance (1 of 4 stars; one submission).

Conditions:
Hereditary pancreatitis (PCTT). Also called: Hereditary chronic pancreatitis; PRSS1-Related Hereditary Pancreatitis. Identifiers: Orphanet 676, MedGen C0238339, MONDO:0008185, OMIM 167800.

Submission:

Ambry Genetics
Classification: Uncertain significance for Hereditary pancreatitis. Last evaluated: 2023-02-10. Review status: criteria provided, single submitter. Criteria: Ambry Variant Classification Scheme 2023. Collection method: clinical testing. Allele origin: germline.
Comment: The c.-4C>A variant is located in the 5' untranslated region (5&rsquo; UTR) of the PRSS1 gene. This variant results from a C to A substitution 4 bases upstream from the first translated codon. This nucleotide position is not well conserved in available vertebrate species. Since supporting evidence is limited at this time, the clinical significance of this alteration remains unclear.

NM_002769.5(PRSS1):c.-4C>A

Genes: PRSS1 (serine protease 1; plus strand), TRB (T cell receptor beta locus; plus strand). Cytogenetic location: 7q34.
Variant type: single nucleotide variant.
Coding change: c.-4C>A on transcript NM_002769.5 (MANE Select); 4 bases upstream of the start codon, C replaced by A.
Molecular consequence: 5 prime UTR variant. On other transcripts: non-coding transcript variant (5).
Genome position (GRCh38, 1-based): chr7:142,749,481, C>A. VCF-style: chr7-142749481-C-A. GRCh37 (hg19) VCF-style: chr7-142457332-C-A.
Identifiers: ClinVar variation 2448230 (VCV002448230.2), dbSNP rs2485712764, ClinGen allele CA1108086970.